The following is an entry in ClinVar:

ClinVar aggregate classification (germline): Uncertain significance (1 of 4 stars; one submission).

Submission:

Ambry Genetics
Classification: Uncertain significance. Last evaluated: 2025-04-02. Review status: criteria provided, single submitter. Criteria: Ambry Variant Classification Scheme 2023. Collection method: clinical testing. Allele origin: germline.
Comment: The p.Q151R variant (also known as c.452A>G), located in coding exon 3 of the ATRIP gene, results from an A to G substitution at nucleotide position 452. The glutamine at codon 151 is replaced by arginine, an amino acid with highly similar properties. This amino acid position is conserved. In addition, the in silico prediction for this alteration is inconclusive. Based on the available evidence, the clinical significance of this variant remains unclear.

NM_130384.3(ATRIP):c.452A>G (p.Gln151Arg)

Genes: ATRIP (ATR interacting protein; plus strand), ATRIP-TREX1 (ATRIP-TREX1 readthrough; plus strand). Cytogenetic location: 3p21.31.
Variant type: single nucleotide variant.
Coding change: c.452A>G on transcript NM_130384.3 (MANE Select); coding-DNA position 452, A replaced by G.
Protein change: p.Gln151Arg; replaces glutamine 151 with arginine.
Molecular consequence: missense variant. On other transcripts: non-coding transcript variant (1).
Genome position (GRCh38, 1-based): chr3:48,451,799, A>G. VCF-style: chr3-48451799-A-G. GRCh37 (hg19) VCF-style: chr3-48493205-A-G.
Other names: c.71A>G, p.Gln24Arg (NM_001271022.2); c.173A>G, p.Gln58Arg (NM_001271023.2); c.452A>G, p.Gln151Arg (NM_032166.4); short protein forms Q151R, Q24R, Q58R.
Identifiers: ClinVar variation 3975937 (VCV003975937.1).
Genomic context (GRCh38, chr3:48,451,799, plus strand): 5'-TGGAAGAAGAAGTTCTCATTAAGAATGGAGAAATTAAAATTTTGCGAGACTCACTACATC[A>G]GACGGAATCCGTTCTAGAGGAACAGAGAAGATCACATTTTCTTCTTGAGCAAGAGAAAAC-3'
Protein context (NP_569055.1, residues 141-161): EIKILRDSLH[Gln151Arg]TESVLEEQRR